The following is an entry in ClinVar:

NM_002900.3(RBP3):c.3331A>T (p.Ile1111Phe)

Gene: RBP3 (retinol binding protein 3; plus strand). Cytogenetic location: 10q11.22.
Variant type: single nucleotide variant.
Coding change: c.3331A>T on transcript NM_002900.3 (MANE Select); coding-DNA position 3331, A replaced by T.
Protein change: p.Ile1111Phe; replaces isoleucine 1111 with phenylalanine.
Molecular consequence: missense variant.
Genome position (GRCh38, 1-based): chr10:47,355,461, A>T. VCF-style: chr10-47355461-A-T. GRCh37 (hg19) VCF-style: chr10-48383901-T-A.
Other names: short protein forms I1111F.
Identifiers: ClinVar variation 1928981 (VCV001928981.5), dbSNP rs2549030915, ClinGen allele CA376676921.
Genomic context (GRCh38, chr10:47,355,461, plus strand): 5'-TCCATTCCCATCTTGTGCTCCTACTTCTTTGATGAAGGCCCTCCAGTTCTGCTGGACAAG[A>T]TCTACAGCCGGCCTGATGACTCTGTCAGTGAACTCTGGACACACGCCCAGGTTGTAGGTA-3'
Protein context (NP_002891.1, residues 1101-1121): DEGPPVLLDK[Ile1111Phe]YSRPDDSVSE

ClinVar aggregate classification (germline): Uncertain significance (1 of 4 stars; one submission).

Submission:

Labcorp Genetics (formerly Invitae), Labcorp
Classification: Uncertain significance. Last evaluated: 2022-02-20. Review status: criteria provided, single submitter. Criteria: Invitae Variant Classification Sherloc (09022015). Collection method: clinical testing. Allele origin: germline.
Comment: In summary, the available evidence is currently insufficient to determine the role of this variant in disease. Therefore, it has been classified as a Variant of Uncertain Significance. Algorithms developed to predict the effect of missense changes on protein structure and function are either unavailable or do not agree on the potential impact of this missense change (SIFT: "Deleterious"; PolyPhen-2: "Possibly Damaging"; Align-GVGD: "Class C0"). This variant has not been reported in the literature in individuals affected with RBP3-related conditions. This variant is not present in population databases (gnomAD no frequency). This sequence change replaces isoleucine, which is neutral and non-polar, with phenylalanine, which is neutral and non-polar, at codon 1111 of the RBP3 protein (p.Ile1111Phe).